The following is an entry in ClinVar:

ClinVar aggregate classification (germline): Uncertain significance. Review status: criteria provided, multiple submitters, no conflicts (2 of 4 stars). 3 submissions from 3 submitters: Uncertain significance (2). 1 of the submissions does not count toward it. Last evaluated 2024-10-18.

Conditions:
Cardiovascular phenotype. Identifiers: MedGen CN230736.
Duchenne muscular dystrophy (DMD). Also called: MUSCULAR DYSTROPHY, PSEUDOHYPERTROPHIC PROGRESSIVE, DUCHENNE TYPE; Duchenne Muscular Dystrophy (DMD). Identifiers: Orphanet 98896, MedGen C0013264, MONDO:0010679, OMIM 310200.
Dystrophin deficiency.
Becker muscular dystrophy (BMD). Also called: MUSCULAR DYSTROPHY, PSEUDOHYPERTROPHIC PROGRESSIVE, BECKER TYPE; Becker Muscular Dystrophy (BMD). Identifiers: Orphanet 98895, MedGen C0917713, MONDO:0010311, OMIM 300376.
Cardiomyopathy (CMYO). Also called: Cardiomyopathies. Identifiers: Orphanet 167848, MedGen C0878544, MONDO:0004994, HP:0001638. Inheritance: Various modes of inheritance.

Allele frequency attached by ClinVar (database versions not stated): TOPMed 0.00002.

Submissions (3):

Labcorp Genetics (formerly Invitae), Labcorp
Classification: Uncertain significance for Duchenne muscular dystrophy. Last evaluated: 2024-10-18. Review status: criteria provided, single submitter. Criteria: Invitae Variant Classification Sherloc (09022015). Collection method: clinical testing. Allele origin: germline.
Comment: This sequence change replaces isoleucine, which is neutral and non-polar, with leucine, which is neutral and non-polar, at codon 2956 of the DMD protein (p.Ile2956Leu). This variant is not present in population databases (gnomAD no frequency). This variant has not been reported in the literature in individuals affected with DMD-related conditions. ClinVar contains an entry for this variant (Variation ID: 1015646). Invitae Evidence Modeling of protein sequence and biophysical properties (such as structural, functional, and spatial information, amino acid conservation, physicochemical variation, residue mobility, and thermodynamic stability) indicates that this missense variant is not expected to disrupt DMD protein function with a negative predictive value of 95%. In summary, the available evidence is currently insufficient to determine the role of this variant in disease. Therefore, it has been classified as a Variant of Uncertain Significance.

Ambry Genetics
Classification: Uncertain significance for Cardiovascular phenotype. Last evaluated: 2023-03-24. Review status: criteria provided, single submitter. Criteria: Ambry Variant Classification Scheme 2023. Collection method: clinical testing. Allele origin: germline.
Comment: The p.I2956L variant (also known as c.8866A>C), located in coding exon 59 of the DMD gene, results from an A to C substitution at nucleotide position 8866. The isoleucine at codon 2956 is replaced by leucine, an amino acid with highly similar properties. This amino acid position is not well conserved in available vertebrate species. In addition, this alteration is predicted to be tolerated by in silico analysis. Since supporting evidence is limited at this time, the clinical significance of this alteration remains unclear.

Natera, Inc.
Classification: Uncertain significance for Becker muscular dystrophy; Cardiomyopathy; Duchenne muscular dystrophy; Dystrophin deficiency. Last evaluated: 2018-09-04. Review status: no assertion criteria provided. Collection method: clinical testing. Allele origin: germline. Not counted in ClinVar's aggregate classification.

NM_004006.3(DMD):c.8866A>C (p.Ile2956Leu)

Gene: DMD (dystrophin; minus strand). Cytogenetic location: Xp21.2.
Variant type: single nucleotide variant.
Coding change: c.8866A>C on transcript NM_004006.3 (MANE Select); coding-DNA position 8866, A replaced by C.
Protein change: p.Ile2956Leu; replaces isoleucine 2956 with leucine.
Molecular consequence: missense variant.
Genome position (GRCh38, 1-based): chrX:31,478,177, T>G on the plus strand (A>C on the coding strand, the complement: DMD is on the minus strand). VCF-style: chrX-31478177-T-G. GRCh37 (hg19) VCF-style: chrX-31496294-T-G.
Other names: c.8842A>C, p.Ile2948Leu (NM_000109.4); c.8854A>C, p.Ile2952Leu (NM_004009.3); c.8497A>C, p.Ile2833Leu (NM_004010.3); c.4843A>C, p.Ile1615Leu (NM_004011.4); c.4834A>C, p.Ile1612Leu (NM_004012.4); c.1486A>C, p.Ile496Leu (NM_004013.3, NM_004020.4, NM_004021.3 and 2 more transcripts); c.679A>C, p.Ile227Leu (NM_004014.3); c.8866A>C (NM_004006.2); short protein forms I1612L, I1615L, I227L, I2833L, I2948L, I2952L, I2956L, I496L.
Identifiers: ClinVar variation 1015646 (VCV001015646.10), dbSNP rs1032522152, ClinGen allele CA328434410.